The following is an entry in ClinVar:

NM_000894.3(LHB):c.83G>A (p.Trp28Ter)

Gene: LHB (luteinizing hormone subunit beta; minus strand). Cytogenetic location: 19q13.33.
Variant type: single nucleotide variant.
Coding change: c.83G>A on transcript NM_000894.3 (MANE Select); coding-DNA position 83, G replaced by A.
Protein change: p.Trp28Ter; replaces tryptophan 28 with a stop codon.
Molecular consequence: nonsense.
Genome position (GRCh38, 1-based): chr19:49,016,647, C>T on the plus strand (G>A on the coding strand, the complement: LHB is on the minus strand). VCF-style: chr19-49016647-C-T. GRCh37 (hg19) VCF-style: chr19-49519904-C-T.
Other names: short protein forms W28*.
Identifiers: ClinVar variation 3389004 (VCV003389004.14).
Genomic context (GRCh38, chr19:49,016,647, plus strand): 5'-GTGATGCACACTGGGCAGCCCTCCTTCTCGACAGCCAGGATGGCATTGATGGGGTGGCAC[C>T]ATGGCCGAAGCGGCTCCCTGGATGCCCATGCCCCGCCCATGCTCAGCAGCAGCAACAGCA-3'

ClinVar aggregate classification (germline): Uncertain significance (1 of 4 stars; one submission).

Submission:

CeGaT Center for Human Genetics Tuebingen
Classification: Uncertain significance. Last evaluated: 2024-11-01. Review status: criteria provided, single submitter. Criteria: CeGaT Center For Human Genetics Tuebingen Variant Classification Criteria Version 2. Collection method: clinical testing. Allele origin: germline. Affected: yes. Observed: 1 variant allele.
Comment: LHB: PM2